The following is an entry in ClinVar:

ClinVar aggregate classification (germline): Pathogenic (1 of 4 stars; one submission).

Submission:

Labcorp Genetics (formerly Invitae), Labcorp
Classification: Pathogenic. Last evaluated: 2023-06-05. Review status: criteria provided, single submitter. Criteria: Invitae Variant Classification Sherloc (09022015). Collection method: clinical testing. Allele origin: germline.
Comment: For these reasons, this variant has been classified as Pathogenic. This variant disrupts a region of the COL4A5 protein in which other variant(s) (p.Gly54Arg) have been determined to be pathogenic (Invitae). This suggests that this is a clinically significant region of the protein, and that variants that disrupt it are likely to be disease-causing. Disruption of the initiator codon has been observed in individuals with Alport syndrome (PMID: 24033287; Invitae). This variant is not present in population databases (gnomAD no frequency). This sequence change affects the initiator methionine of the COL4A5 mRNA. The next in-frame methionine is located at codon 109.

Literature cited by the submitters: PubMed 24033287.

NM_033380.3(COL4A5):c.3G>T (p.Met1Ile)

Gene: COL4A5 (collagen type IV alpha 5 chain; plus strand). Cytogenetic location: Xq22.3.
Variant type: single nucleotide variant.
Coding change: c.3G>T on transcript NM_033380.3 (MANE Select); coding-DNA position 3, G replaced by T.
Protein change: p.Met1Ile; changes the start codon (methionine 1).
Molecular consequence: missense variant, initiator codon variant.
Genome position (GRCh38, 1-based): chrX:108,440,128, G>T. VCF-style: chrX-108440128-G-T. GRCh37 (hg19) VCF-style: chrX-107683358-G-T.
Other names: c.3G>T, p.Met1Ile (NM_000495.5); short protein forms M1I.
Identifiers: ClinVar variation 2770173 (VCV002770173.3), dbSNP rs2523832524, ClinGen allele CA413905873.